The following is an entry in ClinVar:

NM_002691.4(POLD1):c.1562G>T (p.Arg521Leu)

Gene: POLD1 (DNA polymerase delta 1, catalytic subunit; plus strand). Cytogenetic location: 19q13.33.
Variant type: single nucleotide variant.
Coding change: c.1562G>T on transcript NM_002691.4 (MANE Select); coding-DNA position 1562, G replaced by T.
Protein change: p.Arg521Leu; replaces arginine 521 with leucine.
Molecular consequence: missense variant. On other transcripts: non-coding transcript variant (1).
Genome position (GRCh38, 1-based): chr19:50,407,050, G>T. VCF-style: chr19-50407050-G-T. GRCh37 (hg19) VCF-style: chr19-50910307-G-T.
Other names: c.1562G>T, p.Arg521Leu (NM_001256849.1, NM_001308632.1); short protein forms R521L.
Identifiers: ClinVar variation 1775297 (VCV001775297.2), dbSNP rs143076166, ClinGen allele CA406980872.

ClinVar aggregate classification (germline): Uncertain significance (1 of 4 stars; one submission).

Conditions:
Hereditary cancer-predisposing syndrome. Also called: Hereditary Cancer Syndrome; Hereditary neoplastic syndrome; Neoplastic Syndromes, Hereditary; Tumor predisposition. Identifiers: Orphanet 140162, MedGen C0027672, MeSH D009386, MONDO:0015356.

gnomAD v4.1: 1 of 1,613,736 alleles (0.000062%); highest among the groups gnomAD compares: Non-Finnish European, 0.000085%; no homozygotes.

Submission:

Ambry Genetics
Classification: Uncertain significance for Hereditary cancer-predisposing syndrome. Last evaluated: 2021-08-21. Review status: criteria provided, single submitter. Criteria: Ambry Variant Classification Scheme 2023. Collection method: clinical testing. Allele origin: germline.
Comment: The p.R521L variant (also known as c.1562G>T), located in coding exon 12 of the POLD1 gene, results from a G to T substitution at nucleotide position 1562. The arginine at codon 521 is replaced by leucine, an amino acid with dissimilar properties. This amino acid position is conserved. In addition, the in silico prediction for this alteration is inconclusive. Since supporting evidence is limited at this time, the clinical significance of this alteration remains unclear.